The following is an entry in ClinVar:

NM_001378454.1(ALMS1):c.4886G>A (p.Arg1629Gln)

Gene: ALMS1 (ALMS1 centrosome and basal body associated protein; plus strand). Cytogenetic location: 2p13.1.
Variant type: single nucleotide variant.
Coding change: c.4886G>A on transcript NM_001378454.1 (MANE Select); coding-DNA position 4886, G replaced by A.
Protein change: p.Arg1629Gln; replaces arginine 1629 with glutamine.
Molecular consequence: missense variant.
Genome position (GRCh38, 1-based): chr2:73,451,413, G>A. VCF-style: chr2-73451413-G-A. GRCh37 (hg19) VCF-style: chr2-73678540-G-A.
Other names: c.4889G>A, p.Arg1630Gln (NM_015120.4); short protein forms R1629Q, R1630Q.
Identifiers: ClinVar variation 1300493 (VCV001300493.10), dbSNP rs142917664, ClinGen allele CA1713785.

ClinVar aggregate classification (germline): Conflicting classifications of pathogenicity. Review status: criteria provided, conflicting classifications (1 of 4 stars). 5 submissions from 5 submitters: Uncertain significance (4); Likely benign (1). Last evaluated 2025-07-28.

Conditions:
Alstrom syndrome (ALMS). Identifiers: Orphanet 64, MedGen C0268425, MONDO:0008763, OMIM 203800.
Cardiovascular phenotype. Identifiers: MedGen CN230736.

Allele frequency attached by ClinVar (database versions not stated): ExAC 0.00006; gnomAD 0.00011 and 0.00012; TOPMed 0.00011; 1000 Genomes Project 0.00040; 1000 Genomes Project 30x 0.00062.
gnomAD v4.1: 68 of 1,612,430 alleles (0.0042%); highest among the groups gnomAD compares: African/African-American, 0.05%; no homozygotes.

Submissions (5):

Women's Health and Genetics/Laboratory Corporation of America, LabCorp
Classification: Uncertain significance. Last evaluated: 2025-07-28. Review status: criteria provided, single submitter. Criteria: LabCorp Variant Classification Summary - May 2015. Collection method: clinical testing. Allele origin: germline.
Comment: Variant summary: ALMS1 c.4883G>A (p.Arg1628Gln) results in a conservative amino acid change in the encoded protein sequence. Algorithms developed to predict the effect of missense changes on protein structure and function all suggest that this variant is likely to be tolerated. The variant allele was found at a frequency of 4.8e-05 in 248440 control chromosomes. This frequency is not significantly higher than estimated for a pathogenic variant in ALMS1 causing Alstrom syndrome (4.8e-05 vs 0.0035), allowing no conclusion about variant significance. To our knowledge, no occurrence of c.4883G>A in individuals affected with Alstrom syndrome and no experimental evidence demonstrating its impact on protein function have been reported. ClinVar contains an entry for this variant (Variation ID: 1300493). Based on the evidence outlined above, the variant was classified as uncertain significance.

GeneDx
Classification: Uncertain significance. Last evaluated: 2025-01-29. Review status: criteria provided, single submitter. Criteria: GeneDx Variant Classification Process June 2021. Collection method: clinical testing. Allele origin: germline. Affected: yes.
Comment: In silico analysis indicates that this missense variant does not alter protein structure/function; Has not been previously published as pathogenic or benign to our knowledge

Labcorp Genetics (formerly Invitae), Labcorp
Classification: Uncertain significance for Alstrom syndrome. Last evaluated: 2022-07-25. Review status: criteria provided, single submitter. Criteria: Invitae Variant Classification Sherloc (09022015). Collection method: clinical testing. Allele origin: germline.
Comment: This sequence change replaces arginine, which is basic and polar, with glutamine, which is neutral and polar, at codon 1630 of the ALMS1 protein (p.Arg1630Gln). This variant is present in population databases (rs142917664, gnomAD 0.05%). This variant has not been reported in the literature in individuals affected with ALMS1-related conditions. ClinVar contains an entry for this variant (Variation ID: 1300493). Experimental studies and prediction algorithms are not available or were not evaluated, and the functional significance of this variant is currently unknown. In summary, the available evidence is currently insufficient to determine the role of this variant in disease. Therefore, it has been classified as a Variant of Uncertain Significance.

Fulgent Genetics
Classification: Uncertain significance for Alstrom syndrome. Last evaluated: 2021-09-23. Review status: criteria provided, single submitter. Criteria: ACMG Guidelines, 2015. Collection method: clinical testing. Allele origin: unknown.

Ambry Genetics
Classification: Likely benign for Cardiovascular phenotype. Last evaluated: 2021-05-19. Review status: criteria provided, single submitter. Criteria: Ambry Variant Classification Scheme 2023. Collection method: clinical testing. Allele origin: germline.